The following is an entry in ClinVar:

ClinVar aggregate classification (germline): Uncertain significance (1 of 4 stars; one submission).

Conditions:
Hereditary pheochromocytoma and paraganglioma. Also called: Hereditary Paraganglioma-Pheochromocytoma Syndromes; Hereditary pheochromocytoma-paraganglioma; Hereditary paragangliomas and pheochromocytomas. Identifiers: Orphanet 29072, MedGen C4274332, MONDO:0017366.

Submission:

All of Us Research Program, National Institutes of Health
Classification: Uncertain significance for Hereditary pheochromocytoma and paraganglioma. Last evaluated: 2024-08-06. Review status: criteria provided, single submitter. Criteria: ACMG Guidelines, 2015. Collection method: clinical testing. Allele origin: germline. Inheritance: Autosomal dominant inheritance. Observed: 2 variant alleles, 2 heterozygotes.
Comment: This study involves interpretation of variants in research participants for the purpose of population health screening. Participant phenotype was not available at the time of variant classification. Additional details can be found in publication PMID: 35346344, PMCID: PMC8962531

NM_003002.4(SDHD):c.233G>A (p.Gly78Asp)

Gene: SDHD (succinate dehydrogenase complex subunit D; plus strand). Cytogenetic location: 11q23.1.
Variant type: single nucleotide variant.
Coding change: c.233G>A on transcript NM_003002.4 (MANE Select); coding-DNA position 233, G replaced by A.
Protein change: p.Gly78Asp; replaces glycine 78 with aspartic acid.
Molecular consequence: missense variant. On other transcripts: non-coding transcript variant (1), intron variant (1).
Genome position (GRCh38, 1-based): chr11:112,088,930, G>A. VCF-style: chr11-112088930-G-A. GRCh37 (hg19) VCF-style: chr11-111959654-G-A.
Other names: c.116G>A, p.Gly39Asp (NM_001276504.2); c.233G>A, p.Gly78Asp (NM_001276506.2); c.169+957G>A (NM_001276503.2); short protein forms G39D, G78D.
Identifiers: ClinVar variation 3386001 (VCV003386001.1).
Genomic context (GRCh38, chr11:112,088,930, plus strand): 5'-GCTCCAAGGCTGCATCTCTCCACTGGACTAGCGAGAGGGTTGTCAGTGTTTTGCTCCTGG[G>A]TCTGCTTCCGGCTGCTTATTTGAATCCTTGCTCTGCGATGGACTATTCCCTGGCTGCAGC-3'
Protein context (NP_002993.1, residues 68-88): SERVVSVLLL[Gly78Asp]LLPAAYLNPC